The following is an entry in ClinVar:

NM_005027.4(PIK3R2):c.241G>A (p.Val81Met)

Gene: PIK3R2 (phosphoinositide-3-kinase regulatory subunit 2; plus strand). Cytogenetic location: 19p13.11.
Variant type: single nucleotide variant.
Coding change: c.241G>A on transcript NM_005027.4 (MANE Select); coding-DNA position 241, G replaced by A.
Protein change: p.Val81Met; replaces valine 81 with methionine.
Molecular consequence: missense variant. On other transcripts: non-coding transcript variant (2).
Genome position (GRCh38, 1-based): chr19:18,156,120, G>A. VCF-style: chr19-18156120-G-A. GRCh37 (hg19) VCF-style: chr19-18266930-G-A.
Other names: short protein forms V81M.
Identifiers: ClinVar variation 2498767 (VCV002498767.28), dbSNP rs755171275, ClinGen allele CA9306666.
Genomic context (GRCh38, chr19:18,156,120, plus strand): 5'-AACGAGCGCACACGGCAGCGAGGTGACTTCCCTGGCACCTATGTGGAGTTCCTGGGGCCC[G>A]TGGCCCTGGCCCGGCCCGGCCCTCGCCCACGGGGCCCCCGCCCACTGCCCGCCAGGCCCC-3'
Protein context (NP_005018.2, residues 71-91): PGTYVEFLGP[Val81Met]ALARPGPRPR

ClinVar aggregate classification (germline): Likely benign (1 of 4 stars; one submission).

Allele frequency attached by ClinVar (database versions not stated): gnomAD 0.00005; TOPMed 0.00005; gnomAD exomes 0.00012.

Submission:

CeGaT Center for Human Genetics Tuebingen
Classification: Likely benign. Last evaluated: 2023-03-01. Review status: criteria provided, single submitter. Criteria: CeGaT Center For Human Genetics Tuebingen Variant Classification Criteria Version 2. Collection method: clinical testing. Allele origin: germline. Affected: yes. Observed: 1 variant allele.
Comment: PIK3R2: PP4, BS1